The following is an entry in ClinVar:

ClinVar aggregate classification (germline): Uncertain significance. Review status: criteria provided, multiple submitters, no conflicts (2 of 4 stars). 3 submissions from 3 submitters: Uncertain significance (3). Last evaluated 2024-02-22.

Conditions:
Familial thoracic aortic aneurysm and aortic dissection (TAAD). Also called: Thoracic aortic aneurysms and dissections. Identifiers: Orphanet 91387, MedGen C4707243, MONDO:0019625.
Hereditary cancer-predisposing syndrome. Also called: Hereditary neoplastic syndrome; Neoplastic Syndromes, Hereditary; Tumor predisposition; Hereditary Cancer Syndrome. Identifiers: Orphanet 140162, MedGen C0027672, MeSH D009386, MONDO:0015356.
Juvenile polyposis syndrome (JPS). Identifiers: Orphanet 2929, MedGen C0345893, MONDO:0017380, OMIM 174900.

Submissions (3):

Ambry Genetics
Classification: Uncertain significance for Hereditary cancer-predisposing syndrome; Familial thoracic aortic aneurysm and aortic dissection. Last evaluated: 2024-02-22. Review status: criteria provided, single submitter. Criteria: Ambry Variant Classification Scheme 2023. Collection method: clinical testing. Allele origin: germline.
Comment: The p.G231D variant (also known as c.692G>A), located in coding exon 5 of the SMAD4 gene, results from a G to A substitution at nucleotide position 692. The glycine at codon 231 is replaced by aspartic acid, an amino acid with similar properties. This amino acid position is well conserved in available vertebrate species. In addition, the in silico prediction for this alteration is inconclusive. Based on the available evidence, the clinical significance of this alteration remains unclear.

GeneDx
Classification: Uncertain significance. Last evaluated: 2024-01-22. Review status: criteria provided, single submitter. Criteria: GeneDx Variant Classification Process June 2021. Collection method: clinical testing. Allele origin: germline. Affected: yes.
Comment: Has not been previously published as pathogenic or benign to our knowledge; Not observed at significant frequency in large population cohorts (gnomAD); In silico analysis supports that this missense variant does not alter protein structure/function; This variant is associated with the following publications: (PMID: 15235019, 18823382, 22992590)

Labcorp Genetics (formerly Invitae), Labcorp
Classification: Uncertain significance for Juvenile polyposis syndrome. Last evaluated: 2023-02-16. Review status: criteria provided, single submitter. Criteria: Invitae Variant Classification Sherloc (09022015). Collection method: clinical testing. Allele origin: germline.
Comment: In summary, the available evidence is currently insufficient to determine the role of this variant in disease. Therefore, it has been classified as a Variant of Uncertain Significance. Advanced modeling of protein sequence and biophysical properties (such as structural, functional, and spatial information, amino acid conservation, physicochemical variation, residue mobility, and thermodynamic stability) performed at Invitae indicates that this missense variant is not expected to disrupt SMAD4 protein function. ClinVar contains an entry for this variant (Variation ID: 1217669). This variant has not been reported in the literature in individuals affected with SMAD4-related conditions. This variant is not present in population databases (gnomAD no frequency). This sequence change replaces glycine, which is neutral and non-polar, with aspartic acid, which is acidic and polar, at codon 231 of the SMAD4 protein (p.Gly231Asp).

NM_005359.6(SMAD4):c.692G>A (p.Gly231Asp)

Gene: SMAD4 (SMAD family member 4; plus strand). Cytogenetic location: 18q21.2.
Variant type: single nucleotide variant.
Coding change: c.692G>A on transcript NM_005359.6 (MANE Select); coding-DNA position 692, G replaced by A.
Protein change: p.Gly231Asp; replaces glycine 231 with aspartic acid.
Molecular consequence: missense variant.
Genome position (GRCh38, 1-based): chr18:51,058,149, G>A. VCF-style: chr18-51058149-G-A. GRCh37 (hg19) VCF-style: chr18-48584519-G-A.
Other names: short protein forms G231D.
Identifiers: ClinVar variation 1217669 (VCV001217669.9), dbSNP rs759679579, ClinGen allele CA402462676.